The following is an entry in ClinVar:

NM_000239.3(LYZ):c.*169G>A

Gene: LYZ (lysozyme; plus strand). Cytogenetic location: 12q15.
Variant type: single nucleotide variant.
Coding change: c.*169G>A on transcript NM_000239.3 (MANE Select); 169 bases downstream of the stop codon, G replaced by A.
Molecular consequence: 3 prime UTR variant.
Genome position (GRCh38, 1-based): chr12:69,353,388, G>A. VCF-style: chr12-69353388-G-A. GRCh37 (hg19) VCF-style: chr12-69747168-G-A.
Identifiers: ClinVar variation 310334 (VCV000310334.6), dbSNP rs568058282, ClinGen allele CA10642387.

ClinVar aggregate classification (germline): Benign. Review status: criteria provided, multiple submitters, no conflicts (2 of 4 stars). 2 submissions from 2 submitters: Benign (2). Last evaluated 2018-01-12.

Conditions:
Familial visceral amyloidosis, Ostertag type (AMYLD2). Also called: AMYLOIDOSIS VIII; Ostertag type amyloidosis; Familial visceral amyloidosis; Hereditary Renal Amyloidosis; Amyloidosis, hepatic and systemic; AMYLOIDOSIS, HEREDITARY SYSTEMIC 2. Identifiers: Orphanet 85450, MedGen C0268389, MONDO:0007099, OMIM 105200.

Allele frequency attached by ClinVar (database versions not stated): 1000 Genomes Project 0.00060; 1000 Genomes Project 30x 0.00109; TOPMed 0.00124; gnomAD 0.00126.
gnomAD v4.1: 985 of 685,030 alleles (0.14%); highest among the groups gnomAD compares: Middle Eastern, 0.85%; 3 homozygotes.

Submissions (2):

Illumina Laboratory Services, Illumina
Classification: Benign for Familial visceral amyloidosis, Ostertag type. Last evaluated: 2018-01-12. Review status: criteria provided, single submitter. Criteria: ICSL Variant Classification Criteria 13 December 2019. Collection method: clinical testing. Allele origin: germline.
Comment: This variant was observed in the ICSL laboratory as part of a predisposition screen in an ostensibly healthy population. It had not been previously curated by ICSL or reported in the Human Gene Mutation Database (HGMD: prior to June 1st, 2018), and was therefore a candidate for classification through an automated scoring system. Utilizing variant allele frequency, disease prevalence and penetrance estimates, and inheritance mode, an automated score was calculated to assess if this variant is too frequent to cause the disease. Based on the score and internal cut-off values, a variant classified as benign is not then subjected to further curation. The score for this variant resulted in a classification of benign for this disease.

Breakthrough Genomics
Classification: Benign. Review status: criteria provided, single submitter. Criteria: ACMG Guidelines, 2015. Collection method: not provided. Allele origin: germline. Inheritance: Autosomal dominant inheritance. Affected: yes.